The following is an entry in ClinVar:

NM_006393.3(NEBL):c.2148+4T>C

Genes: NEBL (nebulette; minus strand), LOC126860875 (MED14-independent group 3 enhancer GRCh37_chr10:21105746-21106945; plus strand). Cytogenetic location: 10p12.31.
Variant type: single nucleotide variant.
Coding change: c.2148+4T>C on transcript NM_006393.3 (MANE Select); 4 bases into the intron after coding-DNA position 2148, T replaced by C.
Molecular consequence: intron variant.
Genome position (GRCh38, 1-based): chr10:20,817,596, A>G on the plus strand (T>C on the coding strand, the complement: NEBL is on the minus strand). VCF-style: chr10-20817596-A-G. GRCh37 (hg19) VCF-style: chr10-21106525-A-G.
Other names: c.250-4656T>C (NM_001377326.1, NM_001377327.1, NM_001377328.1); c.358-4656T>C (NM_213569.2, NM_001173484.2, NM_001377322.1); c.301-4656T>C (NM_001377324.1); c.292-4656T>C (NM_001377325.1); c.310-4656T>C (NM_001377323.1).
Identifiers: ClinVar variation 164744 (VCV000164744.42), dbSNP rs193163659, ClinGen allele CA177432.

ClinVar aggregate classification (germline): Conflicting classifications of pathogenicity. Review status: criteria provided, conflicting classifications (1 of 4 stars). 5 submissions from 5 submitters: Uncertain significance (1); Benign (2); Likely benign (2). Last evaluated 2026-01-28.

Conditions:
Primary dilated cardiomyopathy (DCM). Also called: Dilated Cardiomyopathy. Identifiers: Orphanet 217604, MedGen C0007193, MeSH D002311, MONDO:0005021, HP:0001644. Inheritance: Various modes of inheritance.

Allele frequency attached by ClinVar (database versions not stated): ESP Exome Variant Server 0.00015; gnomAD exomes 0.00015 and 0.00028; ExAC 0.00020; TOPMed 0.00031; gnomAD 0.00035; 1000 Genomes Project 30x 0.00062; 1000 Genomes Project 0.00080.
gnomAD v4.1: 301 of 1,604,728 alleles (0.019%); highest among the groups gnomAD compares: Admixed American, 0.1%; 1 homozygote.

Submissions (5):

Labcorp Genetics (formerly Invitae), Labcorp
Classification: Likely benign for Primary dilated cardiomyopathy. Last evaluated: 2026-01-28. Review status: criteria provided, single submitter. Criteria: Invitae Variant Classification Sherloc (09022015). Collection method: clinical testing. Allele origin: germline.

Women's Health and Genetics/Laboratory Corporation of America, LabCorp
Classification: Benign. Last evaluated: 2025-07-05. Review status: criteria provided, single submitter. Criteria: LabCorp Variant Classification Summary - May 2015. Collection method: clinical testing. Allele origin: germline.

CeGaT Center for Human Genetics Tuebingen
Classification: Benign. Last evaluated: 2022-05-01. Review status: criteria provided, single submitter. Criteria: CeGaT Center For Human Genetics Tuebingen Variant Classification Criteria Version 2. Collection method: clinical testing. Allele origin: germline. Affected: yes. Observed: 1 variant allele.
Comment: NEBL: BS1, BS2

GeneDx
Classification: Likely benign. Last evaluated: 2017-10-31. Review status: criteria provided, single submitter. Criteria: GeneDx Variant Classification (06012015). Collection method: clinical testing. Allele origin: germline. Affected: yes.
Comment: This variant is considered likely benign or benign based on one or more of the following criteria: it is a conservative change, it occurs at a poorly conserved position in the protein, it is predicted to be benign by multiple in silico algorithms, and/or has population frequency not consistent with disease.

Laboratory for Molecular Medicine, Mass General Brigham Personalized Medicine
Classification: Uncertain significance. Last evaluated: 2014-09-29. Review status: criteria provided, single submitter. Criteria: LMM Criteria. Collection method: clinical testing. Allele origin: germline. Observed: 1 variant allele.
Comment: The 2148+4T>C variant in NEBL has not been previously reported in individuals wi th cardiomyopathy, but has been identified in 2/8600 European American chromosom es by the NHLBI Exome Sequencing Project and 2/248 Hispanic chromosomes by the 1000 Genomes Project (dbSNP rs193163659). Thi s variant is located in the 5' splice region. Computational tools do not suggest an impact to splicing. However, this information is not predictive enough to ru le out pathogenicity. In summary, the clinical significance of the 2148+4T>C var iant is uncertain.